The following is an entry in ClinVar:

NM_014714.4(IFT140):c.2916C>T (p.Asp972=)

Genes: IFT140 (intraflagellar transport 140; minus strand), LOC126862260 (CDK7 strongly-dependent group 2 enhancer GRCh37_chr16:1574508-1575707; plus strand). Cytogenetic location: 16p13.3.
Variant type: single nucleotide variant.
Coding change: c.2916C>T on transcript NM_014714.4 (MANE Select); coding-DNA position 2916, C replaced by T.
Protein change: p.Asp972=; no amino-acid change (aspartic acid 972 retained).
Molecular consequence: synonymous variant.
Genome position (GRCh38, 1-based): chr16:1,524,865, G>A on the plus strand (C>T on the coding strand, the complement: IFT140 is on the minus strand). VCF-style: chr16-1524865-G-A. GRCh37 (hg19) VCF-style: chr16-1574866-G-A.
Other names: c.2916C>T (NM_014714.3).
Identifiers: ClinVar variation 1108867 (VCV001108867.13), dbSNP rs148945612, ClinGen allele CA7813424.
Genomic context (GRCh38, chr16:1,524,865, plus strand): 5'-GCAGTGGATGCGGACCAGGGAGAAGTGGTCCCGGGCCAGCTCGTAGTAGTGCAGCGCGGC[G>A]TCCATCTCGCCCTGGCTCTCCAGGTACTGCGCCCACCACCGCCACAGGGTCCTGCGGGCA-3'
Protein context (NP_055529.2, residues 962-982): AQYLESQGEM[Asp972=]AALHYYELAR

ClinVar aggregate classification (germline): Likely benign. Review status: criteria provided, multiple submitters, no conflicts (2 of 4 stars). 4 submissions from 4 submitters: Likely benign (3). 1 of the submissions does not count toward it. Last evaluated 2025-07-29.

Conditions:
IFT140-related disorder. Also called: IFT140-related condition.
Saldino-Mainzer syndrome (SRTD9). Also called: CONORENAL SYNDROME; Renal dysplasia, retinal pigmentary dystrophy, cerebellar ataxia and skeletal dysplasia; SHORT-RIB THORACIC DYSPLASIA 9 WITHOUT POLYDACTYLY; short-rib thoracic dysplasia 9 with or without polydactyly. Identifiers: Orphanet 140969, MedGen C1849437, MONDO:0009964, OMIM 266920.
Retinitis pigmentosa 80 (RP80). Identifiers: MedGen C4540439, MONDO:0054708, OMIM 617781.

Allele frequency attached by ClinVar (database versions not stated): gnomAD 0.00001 and 0.00003; TOPMed 0.00003; gnomAD exomes 0.00005 and 0.00006; ExAC 0.00008; ESP Exome Variant Server 0.00008.
gnomAD v4.1: 77 of 1,612,732 alleles (0.0048%); highest among the groups gnomAD compares: East Asian, 0.025%; no homozygotes.

Submissions (4):

Labcorp Genetics (formerly Invitae), Labcorp
Classification: Likely benign for Saldino-Mainzer syndrome. Last evaluated: 2025-07-29. Review status: criteria provided, single submitter. Criteria: Invitae Variant Classification Sherloc (09022015). Collection method: clinical testing. Allele origin: germline.

Blueprint Genetics
Classification: Likely benign. Last evaluated: 2024-06-05. Review status: criteria provided, single submitter. Criteria: ACMG Guidelines, 2015. Collection method: clinical testing. Allele origin: germline.

Fulgent Genetics
Classification: Likely benign for Saldino-Mainzer syndrome; Retinitis pigmentosa 80. Last evaluated: 2022-01-07. Review status: criteria provided, single submitter. Criteria: ACMG Guidelines, 2015. Collection method: clinical testing. Allele origin: unknown.

PreventionGenetics, part of Exact Sciences
Classification: Likely benign for IFT140-related condition. Last evaluated: 2024-02-19. Review status: no assertion criteria provided. Collection method: clinical testing. Allele origin: germline. Not counted in ClinVar's aggregate classification.
Comment: This variant is classified as likely benign based on ACMG/AMP sequence variant interpretation guidelines (Richards et al. 2015 PMID: 25741868, with internal and published modifications).